The following is an entry in ClinVar:

NM_025114.4(CEP290):c.6331C>T (p.Gln2111Ter)

Genes: CEP290 (centrosomal protein 290; minus strand), LOC129390514 (MPRA-validated peak1864 silencer; plus strand). Cytogenetic location: 12q21.32.
Variant type: single nucleotide variant.
Coding change: c.6331C>T on transcript NM_025114.4 (MANE Select); coding-DNA position 6331, C replaced by T.
Protein change: p.Gln2111Ter; replaces glutamine 2111 with a stop codon.
Molecular consequence: nonsense.
Genome position (GRCh38, 1-based): chr12:88,062,718, G>A on the plus strand (C>T on the coding strand, the complement: CEP290 is on the minus strand). VCF-style: chr12-88062718-G-A. GRCh37 (hg19) VCF-style: chr12-88456495-G-A.
Other names: short protein forms Q2111*.
Identifiers: ClinVar variation 99862 (VCV000099862.2), dbSNP rs62640577, ClinGen allele CA227982.

ClinVar aggregate classification (germline): Pathogenic. Review status: criteria provided, single submitter (1 of 4 stars). 2 submissions from 2 submitters: Pathogenic (1). 1 of the submissions does not count toward it. Last evaluated 2026-08-01.

Conditions:
CEP290-related ciliopathy. Also called: CEP290 ciliopathy. Identifiers: MedGen CN305601, MONDO:0100451.

Submissions (2):

Myriad Genetics, Inc.
Classification: Pathogenic for CEP290-related ciliopathy. Last evaluated: 2026-08-01. Review status: criteria provided, single submitter. Criteria: Myriad Autosomal Dominant, Autosomal Recessive and X-Linked Classification Criteria (2023). Collection method: clinical testing. Allele origin: unknown.
Comment: NM_025114.3(CEP290):c.6331C>T(Q2111*) is expected to be pathogenic in the context of CEP290-related disorders. This variant is predicted to lead to an abnormal or absent protein product due to the creation of a premature termination codon in CEP290, a gene where loss-of-function variants are known to be pathogenic. Please note: this variant was assessed in the context of healthy population screening.

Retina International
No classification provided. Review status: no classification provided. Collection method: not provided. Allele origin: not provided. Not counted in ClinVar's aggregate classification.